The following is an entry in ClinVar:

NM_000388.4(CASR):c.3030_3031delinsAC (p.His1010_Glu1011delinsGlnGln)

Gene: CASR (calcium sensing receptor; plus strand). Cytogenetic location: 3q21.1.
Variant type: Indel.
Coding change: c.3030_3031delinsAC on transcript NM_000388.4 (MANE Select); coding-DNA positions 3030 to 3031, CG replaced by AC.
Protein change: p.His1010_Glu1011delinsGlnGln.
Molecular consequence: missense variant.
Genome position (GRCh38, 1-based): chr3:122,284,984-122,284,985, CG replaced by AC. VCF-style: chr3-122284984-CG-AC. GRCh37 (hg19) VCF-style: chr3-122003831-CG-AC.
Other names: c.3060_3061delinsAC, p.His1020_Glu1021delinsGlnGln (NM_001178065.2).
Identifiers: ClinVar variation 1422683 (VCV001422683.1), dbSNP rs386665242, ClinGen allele CA2573136468.
Genomic context (GRCh38, chr3:122,284,984, plus strand): 5'-GAATTCTACGCACCAGAACTCCCTGGAGGCCCAGAAAAGCAGCGATACGCTGACCCGACA[CG>AC]AGCCATTACTCCCGCTGCAGTGCGGGGAAACGGACTTAGATCTGACCGTCCAGGAAACAG-3'

ClinVar aggregate classification (germline): Uncertain significance (1 of 4 stars; one submission).

Conditions:
Autosomal dominant hypocalcemia 1 (HYPOC1). Also called: HYPOCALCEMIA, FAMILIAL. Identifiers: MedGen C3715128, MONDO:0011013, OMIM 601198.
Familial hypocalciuric hypercalcemia (FHH). Also called: Familial benign hypercalcemia. Identifiers: Orphanet 405, MedGen C1809471, MONDO:0018458.

Submission:

Labcorp Genetics (formerly Invitae), Labcorp
Classification: Uncertain significance for Familial hypocalciuric hypercalcemia; Autosomal dominant hypocalcemia 1. Last evaluated: 2020-11-13. Review status: criteria provided, single submitter. Criteria: Invitae Variant Classification Sherloc (09022015). Collection method: clinical testing. Allele origin: germline.
Comment: This sequence change replaces histidine with glutamine at codon 1010 of the CASR protein (p.His1010Gln). The histidine residue is moderately conserved and there is a small physicochemical difference between histidine and glutamine. The frequency data for this variant in the population databases is not available, as this variant may be reported as separate entries in the ExAC database. This variant has not been reported in the literature in individuals with CASR-related conditions. Experimental studies and prediction algorithms are not available or were not evaluated, and the functional significance of this variant is currently unknown. In summary, the available evidence is currently insufficient to determine the role of this variant in disease. Therefore, it has been classified as a Variant of Uncertain Significance.